The following is an entry in ClinVar:

NM_004341.5(CAD):c.3400-7C>T

Gene: CAD (carbamoyl-phosphate synthetase 2, aspartate transcarbamylase, and dihydroorotase; plus strand). Cytogenetic location: 2p23.3.
Variant type: single nucleotide variant.
Coding change: c.3400-7C>T on transcript NM_004341.5 (MANE Select); 7 bases into the intron before coding-DNA position 3400, C replaced by T.
Molecular consequence: intron variant.
Genome position (GRCh38, 1-based): chr2:27,234,001, C>T. VCF-style: chr2-27234001-C-T. GRCh37 (hg19) VCF-style: chr2-27456869-C-T.
Other names: c.3211-7C>T (NM_001306079.2).
Identifiers: ClinVar variation 745045 (VCV000745045.10), dbSNP rs769218425, ClinGen allele CA1573274.
Genomic context (GRCh38, chr2:27,234,001, plus strand): 5'-AGACAATCCTAGAGTAAGTGAGAGAAGAAAGTGGCCCTATGTCCCACTGTCTGTGTCCCC[C>T]CGCTAGGAGATTGACGTGGATGCCGTGGCCTCTGATGGTGTGGTGGCAGCCATCGCCATC-3'

ClinVar aggregate classification (germline): Benign. Review status: criteria provided, single submitter (1 of 4 stars). 2 submissions from 2 submitters: Benign (1). 1 of the submissions does not count toward it. Last evaluated 2026-01-21.

Conditions:
CAD-related disorder. Also called: CAD-related condition.

Allele frequency attached by ClinVar (database versions not stated): gnomAD 0.00005 and 0.00006; TOPMed 0.00014; gnomAD exomes 0.00015 and 0.00032; ExAC 0.00034.
gnomAD v4.1: 98 of 1,612,606 alleles (0.0061%); highest among the groups gnomAD compares: Admixed American, 0.16%; no homozygotes.

Submissions (2):

Labcorp Genetics (formerly Invitae), Labcorp
Classification: Benign. Last evaluated: 2026-01-21. Review status: criteria provided, single submitter. Criteria: Invitae Variant Classification Sherloc (09022015). Collection method: clinical testing. Allele origin: germline.

PreventionGenetics, part of Exact Sciences
Classification: Likely benign for CAD-related condition. Last evaluated: 2019-03-21. Review status: no assertion criteria provided. Collection method: clinical testing. Allele origin: germline. Not counted in ClinVar's aggregate classification.
Comment: This variant is classified as likely benign based on ACMG/AMP sequence variant interpretation guidelines (Richards et al. 2015 PMID: 25741868, with internal and published modifications).